The following is an entry in ClinVar:

NM_003024.3(ITSN1):c.1333C>T (p.Arg445Ter)

Gene: ITSN1 (intersectin 1; plus strand). Cytogenetic location: 21q22.11.
Variant type: single nucleotide variant.
Coding change: c.1333C>T on transcript NM_003024.3 (MANE Select); coding-DNA position 1333, C replaced by T.
Protein change: p.Arg445Ter; replaces arginine 445 with a stop codon.
Molecular consequence: nonsense.
Genome position (GRCh38, 1-based): chr21:33,774,756, C>T. VCF-style: chr21-33774756-C-T. GRCh37 (hg19) VCF-style: chr21-35147060-C-T.
Other names: c.1333C>T, p.Arg445Ter (NM_001001132.2, NM_001331008.2, NM_001331009.2 and 2 more transcripts); c.1222C>T, p.Arg408Ter (NM_001331012.2); short protein forms R408*, R445*.
Identifiers: ClinVar variation 3360025 (VCV003360025.2).

ClinVar aggregate classification (germline): Pathogenic (1 of 4 stars; one submission).

gnomAD v4.1: 1 of 1,613,470 alleles (0.000062%); highest among the groups gnomAD compares: Non-Finnish European, 0.000085%; no homozygotes.

Submission:

GeneDx
Classification: Pathogenic. Last evaluated: 2025-01-22. Review status: criteria provided, single submitter. Criteria: GeneDx Variant Classification Process June 2021. Collection method: clinical testing. Allele origin: germline.
Comment: Nonsense variant predicted to result in protein truncation or nonsense mediated decay in a gene for which loss of function is a known mechanism of disease; Not observed at significant frequency in large population cohorts (gnomAD); Has not been previously published as pathogenic or benign to our knowledge